The following is an entry in ClinVar:

ClinVar aggregate classification (germline): Uncertain significance. Review status: criteria provided, multiple submitters, no conflicts (2 of 4 stars). 2 submissions from 2 submitters: Uncertain significance (2). Last evaluated 2024-10-15.

Conditions:
Dilated cardiomyopathy 1KK (CMD1KK). Identifiers: Orphanet 154, Orphanet 75249, MedGen C3714995, MONDO:0014100, OMIM 615248.
Cardiovascular phenotype. Identifiers: MedGen CN230736.

Allele frequency attached by ClinVar (database versions not stated): gnomAD exomes 0.00001 and 0.00003; TOPMed 0.00001; ExAC 0.00002.
gnomAD v4.1: 8 of 1,614,130 alleles (0.0005%); highest among the groups gnomAD compares: Admixed American, 0.013%; no homozygotes.

Submissions (2):

Ambry Genetics
Classification: Uncertain significance for Cardiovascular phenotype. Last evaluated: 2024-10-15. Review status: criteria provided, single submitter. Criteria: Ambry Variant Classification Scheme 2023. Collection method: clinical testing. Allele origin: germline.
Comment: The p.S719T variant (also known as c.2156G>C), located in coding exon 10 of the MYPN gene, results from a G to C substitution at nucleotide position 2156. The serine at codon 719 is replaced by threonine, an amino acid with similar properties. This amino acid position is conserved. In addition, this alteration is predicted to be tolerated by in silico analysis. Based on the available evidence, the clinical significance of this variant remains unclear.

Labcorp Genetics (formerly Invitae), Labcorp
Classification: Uncertain significance for Dilated cardiomyopathy 1KK. Last evaluated: 2022-12-02. Review status: criteria provided, single submitter. Criteria: Invitae Variant Classification Sherloc (09022015). Collection method: clinical testing. Allele origin: germline.
Comment: In summary, the available evidence is currently insufficient to determine the role of this variant in disease. Therefore, it has been classified as a Variant of Uncertain Significance. Algorithms developed to predict the effect of missense changes on protein structure and function output the following: SIFT: "Tolerated"; PolyPhen-2: "Benign"; Align-GVGD: "Class C0". The threonine amino acid residue is found in multiple mammalian species, which suggests that this missense change does not adversely affect protein function. ClinVar contains an entry for this variant (Variation ID: 581938). This variant has not been reported in the literature in individuals affected with MYPN-related conditions. This variant is present in population databases (rs780584298, gnomAD 0.02%). This sequence change replaces serine, which is neutral and polar, with threonine, which is neutral and polar, at codon 719 of the MYPN protein (p.Ser719Thr).

NM_032578.4(MYPN):c.2156G>C (p.Ser719Thr)

Gene: MYPN (myopalladin; plus strand). Cytogenetic location: 10q21.3.
Variant type: single nucleotide variant.
Coding change: c.2156G>C on transcript NM_032578.4 (MANE Select); coding-DNA position 2156, G replaced by C.
Protein change: p.Ser719Thr; replaces serine 719 with threonine.
Molecular consequence: missense variant. On other transcripts: non-coding transcript variant (2).
Genome position (GRCh38, 1-based): chr10:68,174,248, G>C. VCF-style: chr10-68174248-G-C. GRCh37 (hg19) VCF-style: chr10-69934005-G-C.
Other names: c.2156G>C, p.Ser719Thr (NM_001256267.2); c.1274G>C, p.Ser425Thr (NM_001256268.2); c.2156G>C (NM_032578.2); short protein forms S719T, S425T.
Identifiers: ClinVar variation 581938 (VCV000581938.10), dbSNP rs780584298, ClinGen allele CA5522738.